The following is an entry in ClinVar:

NM_000153.4(GALC):c.909-10A>G

Gene: GALC (galactosylceramidase; minus strand). Cytogenetic location: 14q31.3.
Variant type: single nucleotide variant.
Coding change: c.909-10A>G on transcript NM_000153.4 (MANE Select); 10 bases into the intron before coding-DNA position 909, A replaced by G.
Molecular consequence: intron variant.
Genome position (GRCh38, 1-based): chr14:87,965,639, T>C on the plus strand (A>G on the coding strand, the complement: GALC is on the minus strand). VCF-style: chr14-87965639-T-C. GRCh37 (hg19) VCF-style: chr14-88431983-T-C.
Other names: c.831-10A>G (NM_001201402.2); c.840-10A>G (NM_001201401.2).
Identifiers: ClinVar variation 92512 (VCV000092512.9), dbSNP rs398123178, ClinGen allele CA220415.

ClinVar aggregate classification (germline): Uncertain significance. Review status: criteria provided, multiple submitters, no conflicts (2 of 4 stars). 3 submissions from 3 submitters: Uncertain significance (3). Last evaluated 2025-04-16.

Conditions:
Galactosylceramide beta-galactosidase deficiency. Also called: GALACTOCEREBROSIDASE DEFICIENCY; GALC DEFICIENCY; Krabbe Disease; Leukodystrophy, Globoid Cell; GLOBOID CELL LEUKOENCEPHALOPATHY. Identifiers: Orphanet 487, MedGen C0023521, MONDO:0009499, OMIM 245200.

Allele frequency attached by ClinVar (database versions not stated): TOPMed 0.00001; ExAC 0.00002; gnomAD exomes 0.00002.
gnomAD v4.1: 25 of 1,612,978 alleles (0.0015%); highest among the groups gnomAD compares: Non-Finnish European, 0.002%; no homozygotes.

Submissions (3):

ARUP Laboratories, Molecular Genetics and Genomics, ARUP Laboratories
Classification: Uncertain significance for Galactosylceramide beta-galactosidase deficiency. Last evaluated: 2025-04-16. Review status: criteria provided, single submitter. Criteria: ARUP Molecular Germline Variant Investigation Process 2024. Collection method: clinical testing. Allele origin: germline.

Labcorp Genetics (formerly Invitae), Labcorp
Classification: Uncertain significance for Galactosylceramide beta-galactosidase deficiency. Last evaluated: 2021-09-02. Review status: criteria provided, single submitter. Criteria: Invitae Variant Classification Sherloc (09022015). Collection method: clinical testing. Allele origin: germline.
Comment: This sequence change falls in intron 8 of the GALC gene. It does not directly change the encoded amino acid sequence of the GALC protein. This variant is present in population databases (rs398123178, ExAC 0.003%). This variant has been observed in individuals with Krabbe disease (PMID: 22704718; Invitae). This variant is also known as c.861-10A>G. ClinVar contains an entry for this variant (Variation ID: 92512). Algorithms developed to predict the effect of sequence changes on RNA splicing suggest that this variant may disrupt the consensus splice site. In summary, the available evidence is currently insufficient to determine the role of this variant in disease. Therefore, it has been classified as a Variant of Uncertain Significance.

Eurofins Ntd Llc (ga)
Classification: Uncertain significance. Last evaluated: 2012-08-31. Review status: criteria provided, single submitter. Criteria: EGL Classification Definitions 2015. Collection method: clinical testing. Allele origin: germline. Observed: 1 variant allele, 1 heterozygote.

Literature cited by the submitters: PubMed 22704718 (cited by Labcorp Genetics (formerly Invitae), Labcorp).